The following is an entry in ClinVar:

ClinVar aggregate classification (germline): Uncertain significance (1 of 4 stars; one submission).

Conditions:
Hatipoglu immunodeficiency syndrome (HATIS). Also called: IMMUNODEFICIENCY 111. Identifiers: MedGen C5830439, MONDO:0957229, OMIM 620331.

Submission:

St. Jude Molecular Pathology, St. Jude Children's Research Hospital
Classification: Uncertain significance for Hatipoglu immunodeficiency syndrome. Last evaluated: 2025-06-17. Review status: criteria provided, single submitter. Criteria: St. Jude Assertion Criteria 2020. Collection method: clinical testing. Allele origin: germline.
Comment: The DPP9 c.142G>C (p.Asp48His) missense change is absent gnomAD v2.1.1. The in silico tool REVEL predicts a benign effect on protein function, and to our knowledge, functional studies have not been performed. To our knowledge, this variant has not been reported in individuals with Hatipaglu immunodeficiency syndrome. In summary, the evidence currently available is insufficient to determine the clinical significance of this variant. It has therefore been classified as of uncertain significance.

NM_139159.5(DPP9):c.142G>C (p.Asp48His)

Genes: DPP9 (dipeptidyl peptidase 9; minus strand), LOC126862842 (CDK7 strongly-dependent group 2 enhancer GRCh37_chr19:4713085-4714284; plus strand). Cytogenetic location: 19p13.3.
Variant type: single nucleotide variant.
Coding change: c.142G>C on transcript NM_139159.5 (MANE Select); coding-DNA position 142, G replaced by C.
Protein change: p.Asp48His; replaces aspartic acid 48 with histidine.
Molecular consequence: missense variant. On other transcripts: non-coding transcript variant (11).
Genome position (GRCh38, 1-based): chr19:4,714,252, C>G on the plus strand (G>C on the coding strand, the complement: DPP9 is on the minus strand). VCF-style: chr19-4714252-C-G. GRCh37 (hg19) VCF-style: chr19-4714264-C-G.
Other names: c.142G>C, p.Asp48His (NM_001365987.2, NM_001384611.1, NM_001384612.1 and 19 more transcripts); c.55G>C, p.Asp19His (NM_001384623.1, NM_001384624.1, NM_001384625.1 and 4 more transcripts); short protein forms D19H, D48H.
Identifiers: ClinVar variation 4056123 (VCV004056123.2).
Genomic context (GRCh38, chr19:4,714,252, plus strand): 5'-GGATGATGCTCCGGAGCCCGTCCCACGAGTGCTTCTGCACCTGGAAGCGGGCGGCCGGGT[C>G]ATCTGTGGCGGCTGCGTCGCCTCGGTCGGCCGTTGGGGTCCCGGTGGTGGCCATCCTCTC-3'
Protein context (NP_631898.3, residues 38-58): ADRGDAAATD[Asp48His]PAARFQVQKH